The following is an entry in ClinVar:

NM_000379.4(XDH):c.2751dup (p.Pro918fs)

Gene: XDH (xanthine dehydrogenase; minus strand). Cytogenetic location: 2p23.1.
Variant type: Duplication.
Coding change: c.2751dup on transcript NM_000379.4 (MANE Select); coding-DNA position 2751, one base duplicated (G; older notation c.2751dupG).
Protein change: p.Pro918fs; shifts the reading frame from proline 918.
Molecular consequence: frameshift variant.
Genome position (GRCh38, 1-based): chr2:31,350,104, C duplicated on the plus strand (G on the coding strand, the reverse complement: XDH is on the minus strand); the first of 6 consecutive C bases (chr2:31,350,104-31,350,109); duplicating any one gives the same sequence. VCF-style (leftmost placement, unchanged base first): chr2-31350103-G-GC. GRCh37 (hg19) VCF-style: chr2-31572969-G-GC.
Other names: c.2751dupG (NM_000379.3); short protein forms P918fs.
Identifiers: ClinVar variation 2918237 (VCV002918237.4), dbSNP rs772878388, ClinGen allele CA531767368.

ClinVar aggregate classification (germline): Pathogenic/Likely pathogenic. Review status: criteria provided, multiple submitters, no conflicts (2 of 4 stars). 2 submissions from 2 submitters: Pathogenic (1); Likely pathogenic (1). Last evaluated 2025-03-31.

Conditions:
XDH-related disorder. Also called: XDH-related condition.
Xanthinuria type II. Also called: Xanthine dehydrogenase and aldehyde oxidase combined deficiency of; XDH and AOX dual deficiency. Identifiers: Orphanet 3467, Orphanet 93602, MedGen C1863688, MONDO:0011346, OMIM 603592.

Submissions (2):

PreventionGenetics, part of Exact Sciences
Classification: Likely pathogenic for XDH-related condition. Last evaluated: 2025-03-31. Review status: criteria provided, single submitter. Criteria: ACMG Guidelines, 2015. Collection method: clinical testing. Allele origin: germline.
Comment: The XDH c.2751dupG variant is predicted to result in a frameshift and premature protein termination (p.Pro918Alafs*13). To our knowledge, this variant has not been reported in the literature. This variant has been reported in 1 heterozygous individual within the ‘other’ subpopulation in gnomAD. Frameshift variants in XDH are expected to be pathogenic. This variant is interpreted as likely pathogenic.

Labcorp Genetics (formerly Invitae), Labcorp
Classification: Pathogenic for Xanthinuria type II. Last evaluated: 2023-10-20. Review status: criteria provided, single submitter. Criteria: Invitae Variant Classification Sherloc (09022015). Collection method: clinical testing. Allele origin: germline.
Comment: This sequence change creates a premature translational stop signal (p.Pro918Alafs*13) in the XDH gene. It is expected to result in an absent or disrupted protein product. Loss-of-function variants in XDH are known to be pathogenic (PMID: 9153281). This variant is present in population databases (no rsID available, gnomAD no frequency). This variant has not been reported in the literature in individuals affected with XDH-related conditions. For these reasons, this variant has been classified as Pathogenic.

Literature cited by the submitters: PubMed 9153281 (cited by Labcorp Genetics (formerly Invitae), Labcorp).